The following is an entry in ClinVar:

NM_004380.3(CREBBP):c.5797G>A (p.Val1933Met)

Gene: CREBBP (CREB binding lysine acetyltransferase; minus strand). Cytogenetic location: 16p13.3.
Variant type: single nucleotide variant.
Coding change: c.5797G>A on transcript NM_004380.3 (MANE Select); coding-DNA position 5797, G replaced by A.
Protein change: p.Val1933Met; replaces valine 1933 with methionine.
Molecular consequence: missense variant.
Genome position (GRCh38, 1-based): chr16:3,729,250, C>T on the plus strand (G>A on the coding strand, the complement: CREBBP is on the minus strand). VCF-style: chr16-3729250-C-T. GRCh37 (hg19) VCF-style: chr16-3779251-C-T.
Other names: c.5683G>A, p.Val1895Met (NM_001079846.1); short protein forms V1895M, V1933M.
Identifiers: ClinVar variation 3344534 (VCV003344534.3).

ClinVar aggregate classification (germline): Uncertain significance. Review status: criteria provided, multiple submitters, no conflicts (2 of 4 stars). 3 submissions from 3 submitters: Uncertain significance (2). 1 of the submissions does not count toward it. Last evaluated 2024-08-27.

Conditions:
CREBBP-related disorder. Also called: CREBBP-related condition; CREBBP-related disorders.
Inborn genetic diseases. Identifiers: MedGen C0950123, MeSH D030342.
Rubinstein-Taybi syndrome due to CREBBP mutations (RSTS1). Also called: RUBINSTEIN-TAYBI SYNDROME 1, INCOMPLETE; BROAD THUMB-HALLUX SYNDROME; RUBINSTEIN SYNDROME; BROAD THUMBS AND GREAT TOES, CHARACTERISTIC FACIES, AND IMPAIRED INTELLECTUAL DEVELOPMENT; CREBBP-Related Rubinstein-Taybi Syndrome; Rubinstein-Taybi syndrome 1. Identifiers: Orphanet 353277, Orphanet 783, MedGen C4551859, MONDO:0008393, OMIM 180849.
Menke-Hennekam syndrome 1 (MKHK1). Identifiers: MedGen C5193034, MONDO:0020763, OMIM 618332.

gnomAD v4.1: 2 of 1,528,362 alleles (0.00013%); highest among the groups gnomAD compares: Non-Finnish European, 0.00018%; no homozygotes.

Submissions (3):

Ambry Genetics
Classification: Uncertain significance for Inborn genetic diseases. Last evaluated: 2024-08-27. Review status: criteria provided, single submitter. Criteria: Ambry Variant Classification Scheme 2023. Collection method: clinical testing. Allele origin: germline.

Fulgent Genetics
Classification: Uncertain significance for Rubinstein-Taybi syndrome due to CREBBP mutations; Menke-Hennekam syndrome 1. Last evaluated: 2024-02-19. Review status: criteria provided, single submitter. Criteria: ACMG Guidelines, 2015. Collection method: clinical testing. Allele origin: germline.

PreventionGenetics, part of Exact Sciences
Classification: Uncertain significance for CREBBP-related condition. Last evaluated: 2024-06-24. Review status: no assertion criteria provided. Collection method: clinical testing. Allele origin: germline. Not counted in ClinVar's aggregate classification.
Comment: The CREBBP c.5797G>A variant is predicted to result in the amino acid substitution p.Val1933Met. To our knowledge, this variant has not been reported in the literature or in a large population database, indicating this variant is rare. At this time, the clinical significance of this variant is uncertain due to the absence of conclusive functional and genetic evidence.